The following is an entry in ClinVar:

NM_000214.3(JAG1):c.2510A>T (p.Asp837Val)

Gene: JAG1 (jagged canonical Notch ligand 1; minus strand). Cytogenetic location: 20p12.2.
Variant type: single nucleotide variant.
Coding change: c.2510A>T on transcript NM_000214.3 (MANE Select); coding-DNA position 2510, A replaced by T.
Protein change: p.Asp837Val; replaces aspartic acid 837 with valine.
Molecular consequence: missense variant.
Genome position (GRCh38, 1-based): chr20:10,642,550, T>A on the plus strand (A>T on the coding strand, the complement: JAG1 is on the minus strand). VCF-style: chr20-10642550-T-A. GRCh37 (hg19) VCF-style: chr20-10623198-T-A.
Other names: short protein forms D837V.
Identifiers: ClinVar variation 1792396 (VCV001792396.3), dbSNP rs2067280200, ClinGen allele CA408245597.

ClinVar aggregate classification (germline): Uncertain significance. Review status: criteria provided, multiple submitters, no conflicts (2 of 4 stars). 2 submissions from 2 submitters: Uncertain significance (2). Last evaluated 2026-03-19.

Conditions:
JAG1-related disorder. Also called: JAG1-related condition; JAG1-related disorders.
Cardiovascular phenotype. Identifiers: MedGen CN230736.

Allele frequency attached by ClinVar (database versions not stated): TOPMed below 0.00001.

Submissions (2):

PreventionGenetics, part of Exact Sciences
Classification: Uncertain significance for JAG1-related condition. Last evaluated: 2026-03-19. Review status: criteria provided, single submitter. Criteria: ACMG Guidelines, 2015. Collection method: clinical testing. Allele origin: germline.
Comment: The JAG1 c.2510A>T variant is predicted to result in the amino acid substitution p.Asp837Val. To our knowledge, this variant has not been reported in the literature or in a large population database (gnomAD), indicating this variant is rare. At this time, the clinical significance of this variant is uncertain due to the absence of conclusive functional and genetic evidence.

Ambry Genetics
Classification: Uncertain significance for Cardiovascular phenotype. Last evaluated: 2018-11-26. Review status: criteria provided, single submitter. Criteria: Ambry Variant Classification Scheme 2023. Collection method: clinical testing. Allele origin: germline.
Comment: The p.D837V variant (also known as c.2510A>T), located in coding exon 21 of the JAG1 gene, results from an A to T substitution at nucleotide position 2510. The aspartic acid at codon 837 is replaced by valine, an amino acid with highly dissimilar properties. This amino acid position is highly conserved in available vertebrate species. In addition, this alteration is predicted to be deleterious by in silico analysis. Since supporting evidence is limited at this time, the clinical significance of this alteration remains unclear.